The following is an entry in ClinVar:

NM_001034116.2(EIF2B4):c.639G>C (p.Gln213His)

Gene: EIF2B4 (eukaryotic translation initiation factor 2B subunit delta; minus strand). Cytogenetic location: 2p23.3.
Variant type: single nucleotide variant.
Coding change: c.639G>C on transcript NM_001034116.2 (MANE Select); coding-DNA position 639, G replaced by C.
Protein change: p.Gln213His; replaces glutamine 213 with histidine.
Molecular consequence: missense variant.
Genome position (GRCh38, 1-based): chr2:27,368,091, C>G on the plus strand (G>C on the coding strand, the complement: EIF2B4 is on the minus strand). VCF-style: chr2-27368091-C-G. GRCh37 (hg19) VCF-style: chr2-27590958-C-G.
Other names: c.702G>C, p.Gln234His (NM_001318965.2); c.594G>C, p.Gln198His (NM_001318966.2); c.546G>C, p.Gln182His (NM_001318967.2); c.54G>C, p.Gln18His (NM_001318968.2); c.21G>C, p.Gln7His (NM_001318969.2); c.636G>C, p.Gln212His (NM_015636.4); c.699G>C, p.Gln233His (NM_172195.4); short protein forms Q182H, Q18H, Q198H, Q212H, Q213H, Q233H, Q234H, Q7H.
Identifiers: ClinVar variation 2429425 (VCV002429425.4), dbSNP rs560111940, ClinGen allele CA1576826.
Genomic context (GRCh38, chr2:27,368,091, plus strand): 5'-CAAGGCACGAAGCAGGGCAATACACCGGGCATTGGAGCCACTGACCAGGCCCTGGGAGTA[C>G]TGCAGGCCGAGTCGCACCATGGCTGGGTGGATCACAGAGGATGGGATGCTGATGGGATGG-3'
Protein context (NP_001029288.1, residues 203-223): IHPAMVRLGL[Gln213His]YSQGLVSGSN

ClinVar aggregate classification (germline): Uncertain significance. Review status: criteria provided, single submitter (1 of 4 stars). 2 submissions from 2 submitters: Uncertain significance (1). 1 of the submissions does not count toward it. Last evaluated 2022-12-21.

Conditions:
Leukoencephalopathy with vanishing white matter 1 (VWM1). Also called: Vanishing white matter leukodystrophy; CHILDHOOD ATAXIA WITH CENTRAL NERVOUS SYSTEM HYPOMYELINIZATION; Cree leukoencephalopathy; EIF2B1-Related Childhood Ataxia with Central Nervous System Hypomyelination/Vanishing White Matter. Identifiers: Orphanet 99854, MedGen C5779972, MONDO:0020507, OMIM 603896.

Allele frequency attached by ClinVar (database versions not stated): gnomAD exomes below 0.00001; TOPMed below 0.00001; ExAC 0.00002.
gnomAD v4.1: 7 of 1,601,756 alleles (0.00044%); highest among the groups gnomAD compares: Non-Finnish European, 0.00051%; no homozygotes.

Submissions (2):

Illumina Laboratory Services, Illumina
Classification: Uncertain significance. Last evaluated: 2022-12-21. Review status: criteria provided, single submitter. Criteria: ICSL CNVClassificationCriteria Aug2020. Collection method: clinical testing. Allele origin: unknown. Affected: yes.
Comment: The EIF2B4 c.702G>C (p.Gln234His) missense variant results in the substitution of glutamine at amino acid position 234 with histidine. This variant may also be referred to as NM_015636:c.636G>C (p.Gln212His) or NM_001034116:c.639G>C (p.Gln213His). To our knowledge, this variant has not been reported in the peer-reviewed literature. The c.702G>C variant is not found in version 2.1.1 or version 3.1.2 of the Genome Aggregation Database. Multiple lines of computational evidence suggest the variant may have a deleterious effect on the gene or gene product. Based on the available evidence, the c.702G>C (p.Gln234His) variant is classified as a variant of uncertain significance for leukoencephalopathy with vanishing white matter.

Solve-RD Consortium
Classification: Likely pathogenic for Leukoencephalopathy with vanishing white matter 1. Last evaluated: 2022-06-01. Review status: no assertion criteria provided. Collection method: provider interpretation. Allele origin: inherited. Affected: yes. Not counted in ClinVar's aggregate classification.
Comment: Variant confirmed as disease-causing by referring clinical team

Variant identified during reanalysis of unsolved cases by the Solve-RD project. The Solve-RD project has received funding from the European Union’s Horizon 2020 research and innovation programme under grant agreement No 779257.

Literature cited by the submitters: PubMed 39825153 (cited by Solve-RD Consortium).